The following is an entry in ClinVar:

NM_000071.3(CBS):c.924C>A (p.Tyr308Ter)

Gene: CBS (cystathionine beta-synthase; minus strand). Cytogenetic location: 21q22.3.
Variant type: single nucleotide variant.
Coding change: c.924C>A on transcript NM_000071.3 (MANE Select); coding-DNA position 924, C replaced by A.
Protein change: p.Tyr308Ter; replaces tyrosine 308 with a stop codon.
Molecular consequence: nonsense.
Genome position (GRCh38, 1-based): chr21:43,062,983, G>T on the plus strand (C>A on the coding strand, the complement: CBS is on the minus strand). VCF-style: chr21-43062983-G-T. GRCh37 (hg19) VCF-style: chr21-44483093-G-T.
Other names: c.924C>A, p.Tyr308Ter (NM_001178008.3, NM_001178009.3, NM_001320298.2); c.609C>A, p.Tyr203Ter (NM_001321072.1); short protein forms Y203*, Y308*.
Identifiers: ClinVar variation 5012856 (VCV005012856.1).
Genomic context (GRCh38, chr21:43,062,983, plus strand): 5'-CACTGTGGCCGGGCTCTGGACTCGACCTACCGTCCTGTCCAGCACCGTGGGGATGAAGTC[G>T]TAGCCGATCCCTTCCACCTCGTAGGTTGTCTGCTCCGTCTGGTTCAGCTCCTCCGGCTCT-3'

ClinVar aggregate classification (germline): Pathogenic (1 of 4 stars; one submission).

Conditions:
Classic homocystinuria. Also called: HOMOCYSTINURIA WITH OR WITHOUT RESPONSE TO PYRIDOXINE; Homocystinuria due to CBS deficiency; Cystathionine beta-synthase deficiency; CBS deficiency; Homocystinuria due to Cystathionine Beta-Synthase Deficiency. Identifiers: Orphanet 394, MedGen C0751202, MONDO:0009352, OMIM 236200.

Submission:

Myriad Genetics, Inc.
Classification: Pathogenic for Classic homocystinuria. Last evaluated: 2024-03-22. Review status: criteria provided, single submitter. Criteria: Myriad Autosomal Dominant, Autosomal Recessive and X-Linked Classification Criteria (2023). Collection method: clinical testing. Allele origin: unknown.
Comment: NM_000071.2(CBS):c.924C>A(Y308*) is expected to be pathogenic in the context of homocystinuria, CBS-related. This variant is predicted to lead to an abnormal or absent protein product due to the creation of a premature termination codon in CBS, a gene where loss-of-function variants are known to be pathogenic. Please note: this variant was assessed in the context of healthy population screening.